The following is an entry in ClinVar:

ClinVar aggregate classification (germline): Uncertain significance. Review status: criteria provided, multiple submitters, no conflicts (2 of 4 stars). 6 submissions from 6 submitters: Uncertain significance (6). Last evaluated 2026-01-02.

Conditions:
Hereditary cancer-predisposing syndrome. Also called: Tumor predisposition; Neoplastic Syndromes, Hereditary; Hereditary Cancer Syndrome; Hereditary neoplastic syndrome. Identifiers: Orphanet 140162, MedGen C0027672, MeSH D009386, MONDO:0015356.
Familial cancer of breast. Also called: Hereditary breast cancer; BREAST CANCER, FAMILIAL; hereditary breast carcinoma. Identifiers: Orphanet 227535, MedGen C0346153, MONDO:0016419, OMIM 114480. Disease mechanism: loss of function.

Allele frequency attached by ClinVar (database versions not stated): gnomAD exomes below 0.00001; gnomAD 0.00001.
gnomAD v4.1: 4 of 1,614,036 alleles (0.00025%); highest among the groups gnomAD compares: African/African-American, 0.0013%; no homozygotes.

Submissions (6):

Labcorp Genetics (formerly Invitae), Labcorp
Classification: Uncertain significance for Familial cancer of breast. Last evaluated: 2026-01-02. Review status: criteria provided, single submitter. Criteria: Invitae Variant Classification Sherloc (09022015). Collection method: clinical testing. Allele origin: germline.
Comment: This sequence change replaces proline, which is neutral and non-polar, with alanine, which is neutral and non-polar, at codon 490 of the PALB2 protein (p.Pro490Ala). This variant is present in population databases (no rsID available, gnomAD 0.0009%). This variant has not been reported in the literature in individuals affected with PALB2-related conditions. ClinVar contains an entry for this variant (Variation ID: 241531). Invitae Evidence Modeling of protein sequence and biophysical properties (such as structural, functional, and spatial information, amino acid conservation, physicochemical variation, residue mobility, and thermodynamic stability) indicates that this missense variant is not expected to disrupt PALB2 protein function with a negative predictive value of 80%. Experimental studies have shown that this missense change does not substantially affect PALB2 function (PMID: 33964450). In summary, the available evidence is currently insufficient to determine the role of this variant in disease. Therefore, it has been classified as a Variant of Uncertain Significance.

Ambry Genetics
Classification: Uncertain significance for Hereditary cancer-predisposing syndrome. Last evaluated: 2024-04-01. Review status: criteria provided, single submitter. Criteria: Ambry Variant Classification Scheme 2023. Collection method: clinical testing. Allele origin: germline.
Comment: The p.P490A variant (also known as c.1468C>G), located in coding exon 4 of the PALB2 gene, results from a C to G substitution at nucleotide position 1468. The proline at codon 490 is replaced by alanine, an amino acid with highly similar properties. This alteration has been identified in an individual undergoing multigene panel testing for hereditary breast and/or ovarian cancer (Tung N et al. Cancer 2015 Jan;121(1):25-33). This amino acid position is not well conserved in available vertebrate species. In addition, this alteration is predicted to be tolerated by in silico analysis. Since supporting evidence is limited at this time, the clinical significance of this alteration remains unclear.

Baylor Genetics
Classification: Uncertain significance for Familial cancer of breast. Last evaluated: 2024-03-07. Review status: criteria provided, single submitter. Criteria: ACMG Guidelines, 2015. Collection method: clinical testing. Allele origin: unknown.

Color Diagnostics, LLC DBA Color Health
Classification: Uncertain significance for Hereditary cancer-predisposing syndrome. Last evaluated: 2023-12-21. Review status: criteria provided, single submitter. Criteria: ACMG Guidelines, 2015. Collection method: clinical testing. Allele origin: germline.
Comment: This missense variant replaces proline with alanine at codon 490 of the PALB2 protein. Computational prediction suggests that this variant may not impact protein structure and function. A functional study reported that this variant does not impact PALB2 in a homology-directed repair assay (PMID: 33964450). This variant has been identified in 1/251416 chromosomes in the general population by the Genome Aggregation Database (gnomAD). The available evidence is insufficient to determine the role of this variant in disease conclusively. Therefore, this variant is classified as a Variant of Uncertain Significance.

GeneDx
Classification: Uncertain significance. Last evaluated: 2023-03-01. Review status: criteria provided, single submitter. Criteria: GeneDx Variant Classification Process June 2021. Collection method: clinical testing. Allele origin: germline. Affected: yes.
Comment: Published functional study demonstrated no impairment of homologous repair function (Brnich et al., 2021); Not observed at significant frequency in large population cohorts (gnomAD); In silico analysis supports that this missense variant has a deleterious effect on protein structure/function; This variant is associated with the following publications: (PMID: 33964450, 25186627)

Women's Health and Genetics/Laboratory Corporation of America, LabCorp
Classification: Uncertain significance. Last evaluated: 2018-06-15. Review status: criteria provided, single submitter. Criteria: LabCorp Variant Classification Summary - May 2015. Collection method: clinical testing. Allele origin: germline.
Comment: Variant summary: PALB2 c.1468C>G (p.Pro490Ala) results in a non-conservative amino acid change in the encoded protein sequence. Three of five in-silico tools predict a benign effect of the variant on protein function. The variant allele was found at a frequency of 4.1e-06 in 246212 control chromosomes. The available data on variant occurrences in the general population are insufficient to allow any conclusion about variant significance. The variant, c.1468C>G, has been reported in the literature in an individual affected with Hereditary Breast and Ovarian Cancer (Tung_2015). This report does not provide an unequivocal conclusion about association of the variant with Hereditary Breast and Ovarian Cancer. To our knowledge, no experimental evidence demonstrating an impact on protein function has been reported. Two ClinVar submissions from clinical diagnostic laboratories (evaluation after 2014) cite the variant as uncertain significance. Based on the evidence outlined above, the variant was classified as uncertain significance.

Literature cited by the submitters: PubMed 33964450 (cited by Labcorp Genetics (formerly Invitae), Labcorp and Color Diagnostics, LLC DBA Color Health); PubMed 25186627 (cited by Color Diagnostics, LLC DBA Color Health and Women's Health and Genetics/Laboratory Corporation of America, LabCorp); PubMed 33471991 (cited by Color Diagnostics, LLC DBA Color Health).

NM_024675.4(PALB2):c.1468C>G (p.Pro490Ala)

Gene: PALB2 (partner and localizer of BRCA2; minus strand). Cytogenetic location: 16p12.2.
Variant type: single nucleotide variant.
Coding change: c.1468C>G on transcript NM_024675.4 (MANE Select); coding-DNA position 1468, C replaced by G.
Protein change: p.Pro490Ala; replaces proline 490 with alanine.
Molecular consequence: missense variant.
Genome position (GRCh38, 1-based): chr16:23,635,078, G>C on the plus strand (C>G on the coding strand, the complement: PALB2 is on the minus strand). VCF-style: chr16-23635078-G-C. GRCh37 (hg19) VCF-style: chr16-23646399-G-C.
Other names: short protein forms P490A.
Identifiers: ClinVar variation 241531 (VCV000241531.23), dbSNP rs878855101, ClinGen allele CA10583371.